The following is an entry in ClinVar:

NM_006164.5(NFE2L2):c.205G>A (p.Ala69Thr)

Gene: NFE2L2 (NFE2 like bZIP transcription factor 2; minus strand). Cytogenetic location: 2q31.2.
Variant type: single nucleotide variant.
Coding change: c.205G>A on transcript NM_006164.5 (MANE Select); coding-DNA position 205, G replaced by A.
Protein change: p.Ala69Thr; replaces alanine 69 with threonine.
Molecular consequence: missense variant. On other transcripts: 5 prime UTR variant (1), intron variant (1).
Genome position (GRCh38, 1-based): chr2:177,234,112, C>T on the plus strand (G>A on the coding strand, the complement: NFE2L2 is on the minus strand). VCF-style: chr2-177234112-C-T. GRCh37 (hg19) VCF-style: chr2-178098840-C-T.
Other names: c.157G>A, p.Ala53Thr (NM_001145412.3, NM_001145413.3, NM_001313900.1 and 1 more transcripts); c.205G>A, p.Ala69Thr (NM_001313902.2); c.-25G>A (NM_001313904.1); c.93+112G>A (NM_001313903.2); short protein forms A53T, A69T.
Identifiers: ClinVar variation 4807230 (VCV004807230.1).
Genomic context (GRCh38, chr2:177,234,112, plus strand): 5'-CTGGCTGAATTGGGAGAAATTCACCTGTCTCTTCATCTAGTTGTAACTGAGCGAAAAAGG[C>T]TTTCTCTTGCTCCTTTTGGAGTTGTTCTTGTCTTTCCTTTTCAAGTTTTTTCTGTTTTTC-3'
Protein context (NP_006155.2, residues 59-79): QEQLQKEQEK[Ala69Thr]FFAQLQLDEE

ClinVar aggregate classification (germline): Uncertain significance (1 of 4 stars; one submission).

gnomAD v4.1: 5 of 1,614,150 alleles (0.00031%); highest among the groups gnomAD compares: Non-Finnish European, 0.00017%; no homozygotes.

Submission:

Labcorp Genetics (formerly Invitae), Labcorp
Classification: Uncertain significance. Last evaluated: 2025-03-14. Review status: criteria provided, single submitter. Criteria: Invitae Variant Classification Sherloc (09022015). Collection method: clinical testing. Allele origin: germline.
Comment: This sequence change replaces alanine, which is neutral and non-polar, with threonine, which is neutral and polar, at codon 69 of the NFE2L2 protein (p.Ala69Thr). This variant is present in population databases (rs774072476, gnomAD 0.002%). This variant has not been reported in the literature in individuals affected with NFE2L2-related conditions. Invitae Evidence Modeling of protein sequence and biophysical properties (such as structural, functional, and spatial information, amino acid conservation, physicochemical variation, residue mobility, and thermodynamic stability) has been performed for this missense variant. However, the output from this modeling did not meet the statistical confidence thresholds required to predict the impact of this variant on NFE2L2 protein function. In summary, the available evidence is currently insufficient to determine the role of this variant in disease. Therefore, it has been classified as a Variant of Uncertain Significance.